The following is an entry in ClinVar:

ClinVar aggregate classification (germline): Uncertain significance (1 of 4 stars; one submission).

Conditions:
Muscular dystrophy-dystroglycanopathy (congenital with brain and eye anomalies), type a, 12 (MDDGA12). Also called: WALKER-WARBURG SYNDROME OR MUSCLE-EYE-BRAIN DISEASE, POMK-RELATED. Identifiers: Orphanet 899, MedGen C3808964, MONDO:0014101, OMIM 615249.
Limb-girdle muscular dystrophy due to POMK deficiency. Also called: MUSCULAR DYSTROPHY-DYSTROGLYCANOPATHY, LIMB-GIRDLE, POMK-RELATED; Muscular dystrophy-dystroglycanopathy (limb-girdle), type c, 12. Identifiers: Orphanet 445110, MedGen C4015184, MONDO:0014489, OMIM 616094.

Allele frequency attached by ClinVar (database versions not stated): gnomAD 0.00001; TOPMed 0.00001; gnomAD exomes 0.00002.
gnomAD v4.1: 23 of 1,614,040 alleles (0.0014%); highest among the groups gnomAD compares: Non-Finnish European, 0.0019%; no homozygotes.

Submission:

Labcorp Genetics (formerly Invitae), Labcorp
Classification: Uncertain significance for Muscular dystrophy-dystroglycanopathy (congenital with brain and eye anomalies), type a, 12; Limb-girdle muscular dystrophy due to POMK deficiency. Last evaluated: 2022-07-26. Review status: criteria provided, single submitter. Criteria: Invitae Variant Classification Sherloc (09022015). Collection method: clinical testing. Allele origin: germline.
Comment: This sequence change replaces alanine, which is neutral and non-polar, with threonine, which is neutral and polar, at codon 91 of the POMK protein (p.Ala91Thr). This variant is present in population databases (no rsID available, gnomAD 0.007%). This variant has not been reported in the literature in individuals affected with POMK-related conditions. ClinVar contains an entry for this variant (Variation ID: 665426). Algorithms developed to predict the effect of missense changes on protein structure and function (SIFT, PolyPhen-2, Align-GVGD) all suggest that this variant is likely to be disruptive. In summary, the available evidence is currently insufficient to determine the role of this variant in disease. Therefore, it has been classified as a Variant of Uncertain Significance.

NM_032237.5(POMK):c.271G>A (p.Ala91Thr)

Gene: POMK (protein O-mannose kinase; plus strand). Cytogenetic location: 8p11.21.
Variant type: single nucleotide variant.
Coding change: c.271G>A on transcript NM_032237.5 (MANE Select); coding-DNA position 271, G replaced by A.
Protein change: p.Ala91Thr; replaces alanine 91 with threonine.
Molecular consequence: missense variant.
Genome position (GRCh38, 1-based): chr8:43,103,819, G>A. VCF-style: chr8-43103819-G-A. GRCh37 (hg19) VCF-style: chr8-42958962-G-A.
Other names: c.271G>A, p.Ala91Thr (NM_001277971.2); short protein forms A91T.
Identifiers: ClinVar variation 665426 (VCV000665426.5), dbSNP rs1365587547, ClinGen allele CA371117871.
Genomic context (GRCh38, chr8:43,103,819, plus strand): 5'-TGGCTGTCCTGCGAGGAGCTGAGAACAGAAGTGAGACAGCTGAAGCGTGTTGGGGAAGGA[G>A]CTGTAAAGAGAGTGAGTCCGGGTTCATTTGCGATTGCTGTCATCCTGTTATTTCGCTTAA-3'
Protein context (NP_115613.1, residues 81-101): VRQLKRVGEG[Ala91Thr]VKRVFLSEWK